The following is an entry in ClinVar:

ClinVar aggregate classification (germline): Benign/Likely benign. Review status: criteria provided, multiple submitters, no conflicts (2 of 4 stars). 6 submissions from 6 submitters: Benign (1); Likely benign (5). Last evaluated 2025-05-05.

Conditions:
Hereditary cancer-predisposing syndrome. Also called: Tumor predisposition; Hereditary Cancer Syndrome; Hereditary neoplastic syndrome; Neoplastic Syndromes, Hereditary. Identifiers: Orphanet 140162, MedGen C0027672, MeSH D009386, MONDO:0015356.
Lynch syndrome. Identifiers: Orphanet 144, MedGen C4552100, MONDO:0005835. Disease mechanism: loss of function.
Hereditary nonpolyposis colorectal neoplasms. Identifiers: MedGen C0009405, MeSH D003123.
Lynch syndrome 4 (LYNCH4). Also called: Hereditary non-polyposis colorectal cancer, type 4; Colorectal cancer, hereditary nonpolyposis, type 4. Identifiers: Orphanet 144, MedGen C1838333, MONDO:0013699, OMIM 614337. Disease mechanism: loss of function.

Allele frequency attached by ClinVar (database versions not stated): gnomAD exomes below 0.00001 and 0.00001; TOPMed below 0.00001; gnomAD 0.00001.
gnomAD v4.1: 7 of 1,611,856 alleles (0.00043%); highest among the groups gnomAD compares: East Asian, 0.0022%; no homozygotes.

Submissions (6):

Labcorp Genetics (formerly Invitae), Labcorp
Classification: Likely benign for Hereditary nonpolyposis colorectal neoplasms. Last evaluated: 2025-05-05. Review status: criteria provided, single submitter. Criteria: Invitae Variant Classification Sherloc (09022015). Collection method: clinical testing. Allele origin: germline.

Myriad Genetics, Inc.
Classification: Benign for Lynch syndrome 4. Last evaluated: 2025-01-24. Review status: criteria provided, single submitter. Criteria: Myriad Autosomal Dominant, Autosomal Recessive and X-Linked Classification Criteria (2023). Collection method: clinical testing. Allele origin: unknown.
Comment: This variant is considered benign. This variant is a silent/synonymous amino acid change and it is not expected to impact splicing.

All of Us Research Program, National Institutes of Health
Classification: Likely benign for Lynch syndrome. Last evaluated: 2023-11-30. Review status: criteria provided, single submitter. Criteria: ACMG Guidelines, 2015. Collection method: clinical testing. Allele origin: germline. Inheritance: Autosomal dominant inheritance. Observed: 2 variant alleles, 2 heterozygotes.
Comment: This study involves interpretation of variants in research participants for the purpose of population health screening. Participant phenotype was not available at the time of variant classification. Additional details can be found in publication PMID: 35346344, PMCID: PMC8962531

Blueprint Genetics
Classification: Likely benign. Last evaluated: 2023-06-06. Review status: criteria provided, single submitter. Criteria: ACMG Guidelines, 2015. Collection method: clinical testing. Allele origin: germline.

Ambry Genetics
Classification: Likely benign for Hereditary cancer-predisposing syndrome. Last evaluated: 2020-02-17. Review status: criteria provided, single submitter. Criteria: Ambry Variant Classification Scheme 2023. Collection method: clinical testing. Allele origin: germline.

Color Diagnostics, LLC DBA Color Health
Classification: Likely benign for Hereditary cancer-predisposing syndrome. Last evaluated: 2019-03-12. Review status: criteria provided, single submitter. Criteria: ACMG Guidelines, 2015. Collection method: clinical testing. Allele origin: germline.

NM_000535.7(PMS2):c.381A>G (p.Ala127=)

Gene: PMS2 (PMS1 homolog 2, mismatch repair system component; minus strand). Cytogenetic location: 7p22.1.
Variant type: single nucleotide variant.
Coding change: c.381A>G on transcript NM_000535.7 (MANE Select); coding-DNA position 381, A replaced by G.
Protein change: p.Ala127=; no amino-acid change (alanine 127 retained).
Molecular consequence: synonymous variant. On other transcripts: 5 prime UTR variant (8), non-coding transcript variant (1).
Genome position (GRCh38, 1-based): chr7:6,002,609, T>C on the plus strand (A>G on the coding strand, the complement: PMS2 is on the minus strand). VCF-style: chr7-6002609-T-C. GRCh37 (hg19) VCF-style: chr7-6042240-T-C.
Other names: c.-25A>G (NM_001322003.2, NM_001322004.2, NM_001322005.2 and 3 more transcripts); c.381A>G, p.Ala127= (NM_001322006.2, NM_001322014.2); c.63A>G, p.Ala21= (NM_001322007.2, NM_001322008.2); c.-504A>G (NM_001322011.2, NM_001322012.2); c.72A>G, p.Ala24= (NM_001322015.2).
Identifiers: ClinVar variation 416553 (VCV000416553.18), dbSNP rs1060504835, ClinGen allele CA16612284.